The following is an entry in ClinVar:

ClinVar aggregate classification (germline): Uncertain significance (1 of 4 stars; one submission).

Allele frequency attached by ClinVar (database versions not stated): gnomAD exomes below 0.00001.
gnomAD v4.1: 1 of 1,614,182 alleles (0.000062%); highest among the groups gnomAD compares: East Asian, 0.0022%; no homozygotes.

Submission:

GeneDx
Classification: Uncertain significance. Last evaluated: 2019-05-21. Review status: criteria provided, single submitter. Criteria: GeneDx Variant Classification Process June 2021. Collection method: clinical testing. Allele origin: germline. Affected: yes.
Comment: Not observed in large population cohorts (Lek et al., 2016); In silico analysis, which includes protein predictors and evolutionary conservation, supports that this variant does not alter protein structure/function; Has not been previously published as pathogenic or benign to our knowledge

NM_012210.4(TRIM32):c.112C>T (p.His38Tyr)

Genes: ASTN2 (astrotactin 2; minus strand), TRIM32 (tripartite motif containing 32; plus strand). Cytogenetic location: 9q33.1.
Variant type: single nucleotide variant.
Coding change: c.112C>T on transcript NM_012210.4 (MANE Select); coding-DNA position 112, C replaced by T.
Protein change: p.His38Tyr; replaces histidine 38 with tyrosine.
Molecular consequence: missense variant. On other transcripts: intron variant (3).
Genome position (GRCh38, 1-based): chr9:116,697,854, C>T. VCF-style: chr9-116697854-C-T. GRCh37 (hg19) VCF-style: chr9-119460133-C-T.
Other names: c.112C>T, p.His38Tyr (NM_001099679.2, NM_001379048.1, NM_001379049.1 and 1 more transcripts); c.2653+27917G>A (NM_014010.5); c.2794+27917G>A (NM_001365069.1); c.2806+27917G>A (NM_001365068.1); short protein forms H38Y.
Identifiers: ClinVar variation 1305942 (VCV001305942.2), dbSNP rs2132070294, ClinGen allele CA374647582.